The following is an entry in ClinVar:

ClinVar aggregate classification (germline): Likely benign (1 of 4 stars; one submission).

Submission:

CeGaT Center for Human Genetics Tuebingen
Classification: Likely benign. Last evaluated: 2022-12-01. Review status: criteria provided, single submitter. Criteria: CeGaT Center For Human Genetics Tuebingen Variant Classification Criteria Version 2. Collection method: clinical testing. Allele origin: germline. Affected: yes. Observed: 2 variant alleles.
Comment: LRRK2: BS1

NM_198578.4(LRRK2):c.3778-355del

Gene: LRRK2 (leucine rich repeat kinase 2; plus strand). Cytogenetic location: 12q12.
Variant type: Deletion.
Coding change: c.3778-355del on transcript NM_198578.4 (MANE Select); 355 bases into the intron before coding-DNA position 3778, one base deleted (A; older notation c.3778-355delA).
Molecular consequence: intron variant.
Genome position (GRCh38, 1-based): chr12:40,305,430, A deleted; the last of 2 consecutive A bases (chr12:40,305,429-40,305,430); deleting either gives the same sequence. VCF-style (leftmost placement, unchanged base first): chr12-40305428-GA-G. GRCh37 (hg19) VCF-style: chr12-40699230-GA-G.
Identifiers: ClinVar variation 2642850 (VCV002642850.24), dbSNP rs537820328, ClinGen allele CA235352530.